The following is an entry in ClinVar:

NM_001353788.2(APBA2):c.2165A>G (p.Asn722Ser)

Gene: APBA2 (amyloid beta precursor protein binding family A member 2; plus strand). Cytogenetic location: 15q13.1.
Variant type: single nucleotide variant.
Coding change: c.2165A>G on transcript NM_001353788.2 (MANE Select); coding-DNA position 2165, A replaced by G.
Protein change: p.Asn722Ser; replaces asparagine 722 with serine.
Molecular consequence: missense variant.
Genome position (GRCh38, 1-based): chr15:29,114,003, A>G. VCF-style: chr15-29114003-A-G. GRCh37 (hg19) VCF-style: chr15-29406206-A-G.
Other names: c.2129A>G, p.Asn710Ser (NM_001130414.1, NM_001353792.2, NM_001353793.2 and 1 more transcripts); c.2165A>G, p.Asn722Ser (NM_001353789.2, NM_001353790.2, NM_001353791.2 and 2 more transcripts); c.1277A>G, p.Asn426Ser (NM_001353796.2); c.1241A>G, p.Asn414Ser (NM_001353797.2); short protein forms N414S, N426S, N710S, N722S.
Identifiers: ClinVar variation 3035360 (VCV003035360.2), dbSNP rs766483232, ClinGen allele CA7445730.
Genomic context (GRCh38, chr15:29,114,003, plus strand): 5'-AGATCAACGGGCAGAGCGTGGTGGCCACAGCCCACGAGAAGATAGTCCAAGCTCTGTCCA[A>G]CTCGGTCGGAGAGGTAAGGAGGGACTTTGAGTGTGCCTCTGCATGCCGGTTCCCACGTGC-3'
Protein context (NP_001340717.1, residues 712-732): AHEKIVQALS[Asn722Ser]SVGEIHMKTM

ClinVar aggregate classification (germline): Likely benign (0 of 4 stars; one submission).

Conditions:
APBA2-related disorder. Also called: APBA2-related condition.

Allele frequency attached by ClinVar (database versions not stated): gnomAD 0.00010.
gnomAD v4.1: 116 of 1,613,784 alleles (0.0072%); highest among the groups gnomAD compares: Admixed American, 0.19%; 1 homozygote.

Submission:

PreventionGenetics, part of Exact Sciences
Classification: Likely benign for APBA2-related condition. Last evaluated: 2023-05-15. Review status: no assertion criteria provided. Collection method: clinical testing. Allele origin: germline.
Comment: This variant is classified as likely benign based on ACMG/AMP sequence variant interpretation guidelines (Richards et al. 2015 PMID: 25741868, with internal and published modifications).